The following is an entry in ClinVar:

ClinVar aggregate classification (germline): Conflicting classifications of pathogenicity. Review status: criteria provided, conflicting classifications (1 of 4 stars). 3 submissions from 3 submitters: Uncertain significance (2); Likely benign (1). Last evaluated 2025-06-18.

Conditions:
Inborn genetic diseases. Identifiers: MedGen C0950123, MeSH D030342.

Allele frequency attached by ClinVar (database versions not stated): TOPMed below 0.00001; gnomAD 0.00002; gnomAD exomes 0.00002 and 0.00004; ExAC 0.00006; ESP Exome Variant Server 0.00008.
gnomAD v4.1: 35 of 1,614,160 alleles (0.0022%); highest among the groups gnomAD compares: South Asian, 0.033%; no homozygotes.

Submissions (3):

Ambry Genetics
Classification: Uncertain significance for Inborn genetic diseases. Last evaluated: 2025-06-18. Review status: criteria provided, single submitter. Criteria: Ambry Variant Classification Scheme 2023. Collection method: clinical testing. Allele origin: germline.

Blueprint Genetics
Classification: Likely benign. Last evaluated: 2024-11-21. Review status: criteria provided, single submitter. Criteria: ACMG Guidelines, 2015. Collection method: clinical testing. Allele origin: germline.

Labcorp Genetics (formerly Invitae), Labcorp
Classification: Uncertain significance. Last evaluated: 2021-10-20. Review status: criteria provided, single submitter. Criteria: Invitae Variant Classification Sherloc (09022015). Collection method: clinical testing. Allele origin: germline.
Comment: Algorithms developed to predict the effect of missense changes on protein structure and function output the following: SIFT: "Tolerated"; PolyPhen-2: "Benign"; Align-GVGD: "Class C0". The proline amino acid residue is found in multiple mammalian species, which suggests that this missense change does not adversely affect protein function. This variant has not been reported in the literature in individuals affected with KIAA0753-related conditions. In summary, the available evidence is currently insufficient to determine the role of this variant in disease. Therefore, it has been classified as a Variant of Uncertain Significance. This sequence change replaces leucine with proline at codon 457 of the KIAA0753 protein (p.Leu457Pro). The leucine residue is moderately conserved and there is a moderate physicochemical difference between leucine and proline. This variant is present in population databases (rs377358063, ExAC 0.04%).

NM_014804.3(KIAA0753):c.1370T>C (p.Leu457Pro)

Gene: KIAA0753 (KIAA0753; minus strand). Cytogenetic location: 17p13.1.
Variant type: single nucleotide variant.
Coding change: c.1370T>C on transcript NM_014804.3 (MANE Select); coding-DNA position 1370, T replaced by C.
Protein change: p.Leu457Pro; replaces leucine 457 with proline.
Molecular consequence: missense variant.
Genome position (GRCh38, 1-based): chr17:6,612,094, A>G on the plus strand (T>C on the coding strand, the complement: KIAA0753 is on the minus strand). VCF-style: chr17-6612094-A-G. GRCh37 (hg19) VCF-style: chr17-6515414-A-G.
Other names: c.1370T>C (NM_014804.2); c.473T>C, p.Leu158Pro (NM_001351225.2); short protein forms L457P, L158P.
Identifiers: ClinVar variation 1383928 (VCV001383928.8), dbSNP rs377358063, ClinGen allele CA8330497.